The following is an entry in ClinVar:

ClinVar aggregate classification (germline): Uncertain significance. Review status: criteria provided, multiple submitters, no conflicts (2 of 4 stars). 2 submissions from 2 submitters: Uncertain significance (2). Last evaluated 2021-10-29.

Allele frequency attached by ClinVar (database versions not stated): gnomAD exomes below 0.00001; TOPMed below 0.00001.
gnomAD v4.1: 5 of 1,471,398 alleles (0.00034%); highest among the groups gnomAD compares: Non-Finnish European, 0.00036%; no homozygotes.

Submissions (2):

Blueprint Genetics
Classification: Uncertain significance. Last evaluated: 2021-10-29. Review status: criteria provided, single submitter. Criteria: ACMG Guidelines, 2015. Collection method: clinical testing. Allele origin: germline.

Labcorp Genetics (formerly Invitae), Labcorp
Classification: Uncertain significance. Last evaluated: 2021-09-01. Review status: criteria provided, single submitter. Criteria: Invitae Variant Classification Sherloc (09022015). Collection method: clinical testing. Allele origin: germline.
Comment: This sequence change replaces proline with arginine at codon 45 of the ABHD12 protein (p.Pro45Arg). The proline residue is weakly conserved and there is a moderate physicochemical difference between proline and arginine. The frequency data for this variant in the population databases is considered unreliable, as metrics indicate insufficient coverage at this position in the ExAC database. This variant has not been reported in the literature in individuals affected with ABHD12-related conditions. Algorithms developed to predict the effect of missense changes on protein structure and function output the following: SIFT: "Tolerated"; PolyPhen-2: "Benign"; Align-GVGD: "Class C0". The arginine amino acid residue is found in multiple mammalian species, which suggests that this missense change does not adversely affect protein function. In summary, the available evidence is currently insufficient to determine the role of this variant in disease. Therefore, it has been classified as a Variant of Uncertain Significance.

NM_001042472.3(ABHD12):c.134C>G (p.Pro45Arg)

Genes: ABHD12 (abhydrolase domain containing 12, lysophospholipase; minus strand), LOC130065586 (ATAC-STARR-seq lymphoblastoid silent region 12752; plus strand). Cytogenetic location: 20p11.21.
Variant type: single nucleotide variant.
Coding change: c.134C>G on transcript NM_001042472.3 (MANE Select); coding-DNA position 134, C replaced by G.
Protein change: p.Pro45Arg; replaces proline 45 with arginine.
Molecular consequence: missense variant.
Genome position (GRCh38, 1-based): chr20:25,390,570, G>C on the plus strand (C>G on the coding strand, the complement: ABHD12 is on the minus strand). VCF-style: chr20-25390570-G-C. GRCh37 (hg19) VCF-style: chr20-25371206-G-C.
Other names: c.134C>G, p.Pro45Arg (NM_015600.5); short protein forms P45R.
Identifiers: ClinVar variation 1001728 (VCV001001728.7), dbSNP rs2090161558, ClinGen allele CA408445124.